The following is an entry in ClinVar:

ClinVar aggregate classification (germline): Pathogenic (1 of 4 stars; one submission).

Submission:

Labcorp Genetics (formerly Invitae), Labcorp
Classification: Pathogenic. Last evaluated: 2023-04-25. Review status: criteria provided, single submitter. Criteria: Invitae Variant Classification Sherloc (09022015). Collection method: clinical testing. Allele origin: germline.
Comment: Algorithms developed to predict the effect of sequence changes on RNA splicing suggest that this variant may disrupt the consensus splice site. This sequence change creates a premature translational stop signal (p.Gln1528*) in the TG gene. It is expected to result in an absent or disrupted protein product. Loss-of-function variants in TG are known to be pathogenic (PMID: 19837936, 23164529). This variant is not present in population databases (gnomAD no frequency). This variant has not been reported in the literature in individuals affected with TG-related conditions. For these reasons, this variant has been classified as Pathogenic.

Literature cited by the submitters: PubMed 19837936; PubMed 23164529.

NM_003235.5(TG):c.4582C>T (p.Gln1528Ter)

Gene: TG (thyroglobulin; plus strand). Cytogenetic location: 8q24.22.
Variant type: single nucleotide variant.
Coding change: c.4582C>T on transcript NM_003235.5 (MANE Select); coding-DNA position 4582, C replaced by T.
Protein change: p.Gln1528Ter; replaces glutamine 1528 with a stop codon.
Molecular consequence: nonsense.
Genome position (GRCh38, 1-based): chr8:132,923,391, C>T. VCF-style: chr8-132923391-C-T. GRCh37 (hg19) VCF-style: chr8-133935636-C-T.
Other names: short protein forms Q1528*.
Identifiers: ClinVar variation 2859201 (VCV002859201.3), dbSNP rs2490362753, ClinGen allele CA372247925.
Genomic context (GRCh38, chr8:132,923,391, plus strand): 5'-GTTCTAGGTGTCACTGACTGTCAGAGGAACGAAGCAGGCCTGCAATGTGACCAGAATGGC[C>T]AGTATCGAGCCAGCCAGAAGGACAGGGGCAGTGGGAAGGCCTTCTGTGTGGACGGCGAGG-3'